The following is an entry in ClinVar:

NM_007294.4(BRCA1):c.5411T>G (p.Val1804Gly)

Gene: BRCA1 (BRCA1 DNA repair associated; minus strand). Cytogenetic location: 17q21.31.
Variant type: single nucleotide variant.
Coding change: c.5411T>G on transcript NM_007294.4 (MANE Select); coding-DNA position 5411, T replaced by G.
Protein change: p.Val1804Gly; replaces valine 1804 with glycine.
Molecular consequence: missense variant. On other transcripts: non-coding transcript variant (1).
Genome position (GRCh38, 1-based): chr17:43,047,699, A>C on the plus strand (T>G on the coding strand, the complement: BRCA1 is on the minus strand). VCF-style: chr17-43047699-A-C. GRCh37 (hg19) VCF-style: chr17-41199716-A-C.
Other names: c.5198T>G, p.Val1733Gly (NM_001407571.1, NM_001407907.1, NM_001407908.1 and 12 more transcripts); c.5477T>G, p.Val1826Gly (NM_001407581.1, NM_001407582.1); c.5474T>G, p.Val1825Gly (NM_001407583.1, NM_001407585.1, NM_001407587.1 and 1 more transcripts); c.5471T>G, p.Val1824Gly (NM_001407590.1, NM_001407591.1); c.5411T>G, p.Val1804Gly (NM_001407593.1, NM_001407594.1, NM_001407596.1 and 5 more transcripts); c.5408T>G, p.Val1803Gly (NM_001407614.1, NM_001407615.1, NM_001407616.1 and 14 more transcripts); c.5405T>G, p.Val1802Gly (NM_001407633.1, NM_001407634.1, NM_001407635.1 and 13 more transcripts); c.5333T>G, p.Val1778Gly (NM_001407655.1, NM_001407652.1, NM_001407653.1 and 1 more transcripts); and 83 more; short protein forms C675W, V1804G, V1825G, V700G, V1757G, C1738W, C1777W, C1778W.
Identifiers: ClinVar variation 865471 (VCV000865471.3), dbSNP rs80356920, ClinGen allele CA10590641.

Conditions:
Breast-ovarian cancer, familial, susceptibility to, 1 (BROVCA1). Also called: BRCA1 Hereditary Breast and Ovarian Cancer; OVARIAN CANCER, SUSCEPTIBILITY TO. Identifiers: Orphanet 145, MedGen C2676676, MONDO:0011450, OMIM 604370. Disease mechanism: loss of function.

Submission:

Brotman Baty Institute, University of Washington
No classification provided (evidence only). Condition: Breast-ovarian cancer, familial 1. Review status: no classification provided. Collection method: in vitro. Allele origin: not applicable. Functional consequence: functionally_normal.
ClinVar note: "not provided" was previously submitted as the classification for the variant. However, the classification appeared to be based only on an observation of functional data so it was converted to no classification on 2025-07-30.